The following is an entry in ClinVar:

ClinVar aggregate classification (germline): Pathogenic. Review status: criteria provided, multiple submitters, no conflicts (2 of 4 stars). 5 submissions from 5 submitters: Pathogenic (5). Last evaluated 2025-07-09.

Conditions:
SEC23B-related disorder. Also called: SEC23B-related condition; SEC23B-related disorders.
Congenital dyserythropoietic anemia, type II (CDAN2). Also called: DYSERYTHROPOIETIC ANEMIA, HEMPAS TYPE. Identifiers: Orphanet 98873, MedGen C1306589, MONDO:0009134, OMIM 224100.
Cowden syndrome 7 (CWS7). Identifiers: Orphanet 201, MedGen C4225179, MONDO:0014802, OMIM 616858.

Allele frequency attached by ClinVar (database versions not stated): gnomAD exomes below 0.00001 and 0.00001; TOPMed 0.00001.
gnomAD v4.1: 18 of 1,612,976 alleles (0.0011%); highest among the groups gnomAD compares: Non-Finnish European, 0.0011%; no homozygotes.

Submissions (5):

PreventionGenetics, part of Exact Sciences
Classification: Pathogenic for SEC23B-related condition. Last evaluated: 2025-07-09. Review status: criteria provided, single submitter. Criteria: ACMG Guidelines, 2015. Collection method: clinical testing. Allele origin: germline.
Comment: The SEC23B c.1201C>T variant is predicted to result in premature protein termination (p.Arg401*). This variant has been reported with a second SEC23B variant in individuals with congenital dyserythropoietic anemia type II (Table S3, Schwarz et al. 2009. PubMed ID: 19561605). This variant is reported in 0.0096% of alleles in individuals of Ashkenazi Jewish descent in gnomAD. Nonsense variants in SEC23B are expected to be pathogenic. This variant is interpreted as pathogenic.

Labcorp Genetics (formerly Invitae), Labcorp
Classification: Pathogenic for Congenital dyserythropoietic anemia, type II; Cowden syndrome 7. Last evaluated: 2024-01-15. Review status: criteria provided, single submitter. Criteria: Invitae Variant Classification Sherloc (09022015). Collection method: clinical testing. Allele origin: germline.
Comment: This sequence change creates a premature translational stop signal (p.Arg401*) in the SEC23B gene. It is expected to result in an absent or disrupted protein product. Loss-of-function variants in SEC23B are known to be pathogenic (PMID: 19561605, 25044164). This variant is present in population databases (no rsID available, gnomAD 0.01%). This premature translational stop signal has been observed in individual(s) with congenital dyserythropoietic anemia (PMID: 19561605). ClinVar contains an entry for this variant (Variation ID: 632368). For these reasons, this variant has been classified as Pathogenic.

Revvity Omics, Revvity
Classification: Pathogenic. Last evaluated: 2023-09-01. Review status: criteria provided, single submitter. Criteria: ACMG Guidelines, 2015. Collection method: clinical testing. Allele origin: germline.

Mayo Clinic Laboratories, Mayo Clinic
Classification: Pathogenic. Last evaluated: 2020-06-16. Review status: criteria provided, single submitter. Criteria: ACMG Guidelines, 2015. Collection method: clinical testing. Allele origin: germline. Observed: 1 variant allele.
Comment: PVS1, PM2, PP1

Juno Genomics, Hangzhou Juno Genomics, Inc
Classification: Pathogenic for Congenital dyserythropoietic anemia, type II. Review status: criteria provided, single submitter. Criteria: ACMG Guidelines, 2015. Collection method: clinical testing. Allele origin: germline. Affected: yes.
Comment: Absent from controls (or at extremely low frequency if recessive) in Genome Aggregation Database, Exome Sequencing Project, 1000 Genomes Project, or Exome Aggregation Consortium.;Null variant in a gene where loss of function (LOF) is a known mechanism of disease.;For recessive disorders, detected in trans with a pathogenic variant.;Patient's phenotype or family history is highly specific for a disease with a single genetic etiology.

Literature cited by the submitters: PubMed 19561605 (cited by Labcorp Genetics (formerly Invitae), Labcorp and Mayo Clinic Laboratories, Mayo Clinic); PubMed 25044164 (cited by Labcorp Genetics (formerly Invitae), Labcorp); PubMed 20015893 (cited by Mayo Clinic Laboratories, Mayo Clinic).

NM_006363.6(SEC23B):c.1201C>T (p.Arg401Ter)

Gene: SEC23B (SEC23 homolog B, COPII component; plus strand). Cytogenetic location: 20p11.23.
Variant type: single nucleotide variant.
Coding change: c.1201C>T on transcript NM_006363.6 (MANE Select); coding-DNA position 1201, C replaced by T.
Protein change: p.Arg401Ter; replaces arginine 401 with a stop codon.
Molecular consequence: nonsense.
Genome position (GRCh38, 1-based): chr20:18,530,771, C>T. VCF-style: chr20-18530771-C-T. GRCh37 (hg19) VCF-style: chr20-18511415-C-T.
Other names: c.1201C>T, p.Arg401Ter (NM_001172745.3, NM_032985.6, NM_032986.5); c.1147C>T, p.Arg383Ter (NM_001172746.3); short protein forms R401*, R383*.
Identifiers: ClinVar variation 632368 (VCV000632368.16), dbSNP rs1403456625, ClinGen allele CA408361779.